The following is an entry in ClinVar:

ClinVar aggregate classification (germline): Benign. Review status: criteria provided, multiple submitters, no conflicts (2 of 4 stars). 4 submissions from 3 submitters: Benign (4). Last evaluated 2018-11-12.

Conditions:
Hypothyroidism due to TSH receptor mutations. Also called: HYPOTHYROIDISM DUE TO UNRESPONSIVENESS TO THYROTROPIN; HYPOTHYROIDISM, CONGENITAL, DUE TO TSH RESISTANCE; HYPOTHYROIDISM, NONAUTOIMMUNE; THYROID-STIMULATING HORMONE, RESISTANCE TO; TSH RESISTANCE; Hypothyroidism, congenital, nongoitrous, 1. Identifiers: Orphanet 90673, MedGen C3493776, MONDO:0010142, OMIM 275200.
Familial hyperthyroidism due to mutations in TSH receptor. Also called: HYPERTHYROIDISM, CONGENITAL NONAUTOIMMUNE; HYPERTHYROIDISM, NONAUTOIMMUNE, AUTOSOMAL DOMINANT; TOXIC THYROID HYPERPLASIA, AUTOSOMAL DOMINANT. Identifiers: Orphanet 424, MedGen C1836706, MONDO:0012203, OMIM 609152.

Allele frequency attached by ClinVar (database versions not stated): 1000 Genomes Project 30x 0.84244; 1000 Genomes Project 0.84325; gnomAD 0.85099 and 0.85116; TOPMed 0.85320; gnomAD exomes 0.85648.
gnomAD v4.1: 482,662 of 564,592 alleles (85%); highest among the groups gnomAD compares: Non-Finnish European, 86%; 206,631 homozygotes.

Submissions (4):

GeneDx
Classification: Benign. Last evaluated: 2018-11-12. Review status: criteria provided, single submitter. Criteria: GeneDx Variant Classification Process June 2021. Collection method: clinical testing. Allele origin: germline. Affected: yes.

Illumina Laboratory Services, Illumina
Classification: Benign for Familial hyperthyroidism due to mutations in TSH receptor. Last evaluated: 2018-01-12. Review status: criteria provided, single submitter. Criteria: ICSL Variant Classification Criteria 13 December 2019. Collection method: clinical testing. Allele origin: germline.
Comment: This variant was observed in the ICSL laboratory as part of a predisposition screen in an ostensibly healthy population. It had not been previously curated by ICSL or reported in the Human Gene Mutation Database (HGMD: prior to June 1st, 2018), and was therefore a candidate for classification through an automated scoring system. Utilizing variant allele frequency, disease prevalence and penetrance estimates, and inheritance mode, an automated score was calculated to assess if this variant is too frequent to cause the disease. Based on the score and internal cut-off values, a variant classified as benign is not then subjected to further curation. The score for this variant resulted in a classification of benign for this disease.

Illumina Laboratory Services, Illumina
Classification: Benign for Hypothyroidism due to TSH receptor mutations. Last evaluated: 2018-01-12. Review status: criteria provided, single submitter. Criteria: ICSL Variant Classification Criteria 13 December 2019. Collection method: clinical testing. Allele origin: germline.
Comment: the same text as in the submission from Illumina Laboratory Services, Illumina above.

Breakthrough Genomics
Classification: Benign. Review status: criteria provided, single submitter. Criteria: ACMG Guidelines, 2015. Collection method: not provided. Allele origin: germline. Inheritance: Autosomal recessive inheritance. Affected: yes.

NM_000369.5(TSHR):c.*245C>T

Genes: TSHR-AS1 (TSHR antisense RNA 1; minus strand), TSHR (thyroid stimulating hormone receptor; plus strand). Cytogenetic location: 14q31.1.
Variant type: single nucleotide variant.
Coding change: c.*245C>T on transcript NM_000369.5 (MANE Select); 245 bases downstream of the stop codon, C replaced by T.
Molecular consequence: 3 prime UTR variant.
Genome position (GRCh38, 1-based): chr14:81,144,598, C>T. VCF-style: chr14-81144598-C-T. GRCh37 (hg19) VCF-style: chr14-81610942-C-T.
Identifiers: ClinVar variation 314705 (VCV000314705.9), dbSNP rs7144481, ClinGen allele CA10646442.